The following is an entry in ClinVar:

ClinVar aggregate classification (germline): Pathogenic (1 of 4 stars; one submission).

Conditions:
Duchenne muscular dystrophy (DMD). Also called: Duchenne Muscular Dystrophy (DMD); MUSCULAR DYSTROPHY, PSEUDOHYPERTROPHIC PROGRESSIVE, DUCHENNE TYPE. Identifiers: Orphanet 98896, MedGen C0013264, MONDO:0010679, OMIM 310200.

Submission:

Labcorp Genetics (formerly Invitae), Labcorp
Classification: Pathogenic for Duchenne muscular dystrophy. Last evaluated: 2019-04-08. Review status: criteria provided, single submitter. Criteria: Invitae Variant Classification Sherloc (09022015). Collection method: clinical testing. Allele origin: germline.
Comment: This variant results in a copy number gain of the genomic region encompassing exons 10-17 of the DMD gene. While the exact position of this variant cannot be determined from this data, sub-genic copy number gains are generally in tandem (PMID: 25640679) and may result in an absent or disrupted protein product. A similar copy number gain of exons 10-17 has been reported in an several individuals affected with Duchenne muscular dystrophy or Becker muscular dystrophy (PMID: 16917894, 18663755). Loss-of-function variants in DMD are known to be pathogenic (PMID: 16770791, 25007885). For these reasons, this variant has been classified as Pathogenic.

Literature cited by the submitters: PubMed 18663755; PubMed 16917894.

NC_000023.11:g.32545149_32651077dup

Gene: DMD (dystrophin; minus strand).
Variant type: Duplication.
Identifiers: ClinVar variation 855825 (VCV000855825.1).